The following is an entry in ClinVar:

ClinVar aggregate classification (germline): Uncertain significance. Review status: criteria provided, single submitter (1 of 4 stars). 2 submissions from 2 submitters: Uncertain significance (1). 1 of the submissions does not count toward it. Last evaluated 2024-03-21.

Conditions:
XKR8-related condition.

gnomAD v4.1: 11 of 1,433,184 alleles (0.00077%); highest among the groups gnomAD compares: Admixed American, 0.012%; no homozygotes.

Submissions (2):

Ambry Genetics
Classification: Uncertain significance. Last evaluated: 2024-03-21. Review status: criteria provided, single submitter. Criteria: Ambry Variant Classification Scheme 2023. Collection method: clinical testing. Allele origin: germline.

PreventionGenetics, part of Exact Sciences
Classification: Uncertain significance for XKR8-related condition. Last evaluated: 2024-05-20. Review status: no assertion criteria provided. Collection method: clinical testing. Allele origin: germline. Not counted in ClinVar's aggregate classification.
Comment: The XKR8 c.244C>T variant is predicted to result in the amino acid substitution p.Arg82Cys. To our knowledge, this variant has not been reported in the literature. This variant is reported in 0.0029% of alleles in individuals of European (Non-Finnish) descent in gnomAD. At this time, the clinical significance of this variant is uncertain due to the absence of conclusive functional and genetic evidence.

NM_018053.4(XKR8):c.244C>T (p.Arg82Cys)

Gene: XKR8 (XK related 8; plus strand). Cytogenetic location: 1p35.3.
Variant type: single nucleotide variant.
Coding change: c.244C>T on transcript NM_018053.4 (MANE Select); coding-DNA position 244, C replaced by T.
Protein change: p.Arg82Cys; replaces arginine 82 with cysteine.
Molecular consequence: missense variant.
Genome position (GRCh38, 1-based): chr1:27,960,313, C>T. VCF-style: chr1-27960313-C-T. GRCh37 (hg19) VCF-style: chr1-28286824-C-T.
Other names: c.244C>T (NM_018053.3); short protein forms R82C.
Identifiers: ClinVar variation 3333449 (VCV003333449.2).